The following is an entry in ClinVar:

ClinVar aggregate classification (germline): Uncertain significance (1 of 4 stars; one submission).

Allele frequency attached by ClinVar (database versions not stated): gnomAD exomes 0.00001; TOPMed 0.00001; ExAC 0.00002; ESP Exome Variant Server 0.00008.
gnomAD v4.1: 9 of 1,613,868 alleles (0.00056%); highest among the groups gnomAD compares: African/African-American, 0.004%; no homozygotes.

Submission:

Labcorp Genetics (formerly Invitae), Labcorp
Classification: Uncertain significance. Last evaluated: 2026-01-26. Review status: criteria provided, single submitter. Criteria: Invitae Variant Classification Sherloc (09022015). Collection method: clinical testing. Allele origin: germline.
Comment: This sequence change replaces arginine, which is basic and polar, with cysteine, which is neutral and slightly polar, at codon 771 of the CLCN6 protein (p.Arg771Cys). This variant is present in population databases (rs375927564, gnomAD 0.007%). This variant has not been reported in the literature in individuals affected with CLCN6-related conditions. ClinVar contains an entry for this variant (Variation ID: 1419106). An algorithm developed to predict the effect of missense changes on protein structure and function (PolyPhen-2) suggests that this variant is likely to be tolerated. In summary, the available evidence is currently insufficient to determine the role of this variant in disease. Therefore, it has been classified as a Variant of Uncertain Significance.

NM_001286.5(CLCN6):c.2311C>T (p.Arg771Cys)

Gene: CLCN6 (chloride voltage-gated channel 6; plus strand). Cytogenetic location: 1p36.22.
Variant type: single nucleotide variant.
Coding change: c.2311C>T on transcript NM_001286.5 (MANE Select); coding-DNA position 2311, C replaced by T.
Protein change: p.Arg771Cys; replaces arginine 771 with cysteine.
Molecular consequence: missense variant. On other transcripts: non-coding transcript variant (1).
Genome position (GRCh38, 1-based): chr1:11,838,350, C>T. VCF-style: chr1-11838350-C-T. GRCh37 (hg19) VCF-style: chr1-11898407-C-T.
Other names: c.2245C>T, p.Arg749Cys (NM_001256959.2); short protein forms R749C, R771C.
Identifiers: ClinVar variation 1419106 (VCV001419106.7), dbSNP rs375927564, ClinGen allele CA596801.
Genomic context (GRCh38, chr1:11,838,350, plus strand): 5'-GCCACTGCTGCCTGAGCACGGACAGTGTCTGGGTTGGAATTGCAGAGCGCCAGCCAGCCG[C>T]GCCTCTCCTATGCCGAGATGGCCGAGGACTACCCGCGGTACCCCGACATCCACGACCTGG-3'
Protein context (NP_001277.2, residues 761-781): SESQSSASQP[Arg771Cys]LSYAEMAEDY